The following is an entry in ClinVar:

NM_144701.3(IL23R):c.1474C>A (p.Leu492Met)

Gene: IL23R (interleukin 23 receptor; plus strand). Cytogenetic location: 1p31.3.
Variant type: single nucleotide variant.
Coding change: c.1474C>A on transcript NM_144701.3 (MANE Select); coding-DNA position 1474, C replaced by A.
Protein change: p.Leu492Met; replaces leucine 492 with methionine.
Molecular consequence: missense variant.
Genome position (GRCh38, 1-based): chr1:67,258,712, C>A. VCF-style: chr1-67258712-C-A. GRCh37 (hg19) VCF-style: chr1-67724395-C-A.
Other names: short protein forms L492M.
Identifiers: ClinVar variation 1484519 (VCV001484519.6), dbSNP rs2100397737, ClinGen allele CA340728411.

ClinVar aggregate classification (germline): Uncertain significance (1 of 4 stars; one submission).

Allele frequency attached by ClinVar (database versions not stated): gnomAD exomes below 0.00001.
gnomAD v4.1: 1 of 1,613,782 alleles (0.000062%); highest among the groups gnomAD compares: Non-Finnish European, 0.000085%; no homozygotes.

Submission:

Labcorp Genetics (formerly Invitae), Labcorp
Classification: Uncertain significance. Last evaluated: 2021-11-18. Review status: criteria provided, single submitter. Criteria: Invitae Variant Classification Sherloc (09022015). Collection method: clinical testing. Allele origin: germline.
Comment: In summary, the available evidence is currently insufficient to determine the role of this variant in disease. Therefore, it has been classified as a Variant of Uncertain Significance. Algorithms developed to predict the effect of missense changes on protein structure and function are either unavailable or do not agree on the potential impact of this missense change (SIFT: "Tolerated"; PolyPhen-2: "Probably Damaging"; Align-GVGD: "Class C0"). This variant has not been reported in the literature in individuals affected with IL23R-related conditions. This variant is not present in population databases (gnomAD no frequency). This sequence change replaces leucine, which is neutral and non-polar, with methionine, which is neutral and non-polar, at codon 492 of the IL23R protein (p.Leu492Met).